The following is an entry in ClinVar:

NM_001365951.3(KIF1B):c.720+5G>C

Gene: KIF1B (kinesin family member 1B; plus strand). Cytogenetic location: 1p36.22.
Variant type: single nucleotide variant.
Coding change: c.720+5G>C on transcript NM_001365951.3 (MANE Select); 5 bases into the intron after coding-DNA position 720, G replaced by C.
Molecular consequence: intron variant.
Genome position (GRCh38, 1-based): chr1:10,268,268, G>C. VCF-style: chr1-10268268-G-C. GRCh37 (hg19) VCF-style: chr1-10328326-G-C.
Other names: c.720+5G>C (NM_183416.4, NM_015074.3, NM_001365952.1 and 1 more transcripts).
Identifiers: ClinVar variation 1757666 (VCV001757666.5), dbSNP rs2521054084, ClinGen allele CA2580060796.

ClinVar aggregate classification (germline): Uncertain significance. Review status: criteria provided, multiple submitters, no conflicts (2 of 4 stars). 2 submissions from 2 submitters: Uncertain significance (2). Last evaluated 2024-05-08.

Conditions:
Charcot-Marie-Tooth disease type 2. Also called: Charcot-Marie-Tooth type 2. Identifiers: Orphanet 64746, MedGen C0270914, MONDO:0018993.

Submissions (2):

Ambry Genetics
Classification: Uncertain significance. Last evaluated: 2024-05-08. Review status: criteria provided, single submitter. Criteria: Ambry Variant Classification Scheme 2023. Collection method: clinical testing. Allele origin: germline.
Comment: The c.720+5G>C intronic variant results from a G to C substitution 5 nucleotides after coding exon 6 in the KIF1B gene. This nucleotide position is well conserved in available vertebrate species. In silico splice site analysis for this alteration is inconclusive. The evidence for this gene-disease relationship is limited; therefore, the clinical significance of this alteration is unclear.

Labcorp Genetics (formerly Invitae), Labcorp
Classification: Uncertain significance for Charcot-Marie-Tooth disease type 2. Last evaluated: 2024-04-03. Review status: criteria provided, single submitter. Criteria: Invitae Variant Classification Sherloc (09022015). Collection method: clinical testing. Allele origin: germline.
Comment: This sequence change falls in intron 7 of the KIF1B gene. It does not directly change the encoded amino acid sequence of the KIF1B protein. It affects a nucleotide within the consensus splice site. This variant is not present in population databases (gnomAD no frequency). This variant has not been reported in the literature in individuals affected with KIF1B-related conditions. ClinVar contains an entry for this variant (Variation ID: 1757666). Variants that disrupt the consensus splice site are a relatively common cause of aberrant splicing (PMID: 17576681, 9536098). Algorithms developed to predict the effect of sequence changes on RNA splicing suggest that this variant may disrupt the consensus splice site. In summary, the available evidence is currently insufficient to determine the role of this variant in disease. Therefore, it has been classified as a Variant of Uncertain Significance.

Literature cited by the submitters: PubMed 17576681 (cited by Labcorp Genetics (formerly Invitae), Labcorp); PubMed 9536098 (cited by Labcorp Genetics (formerly Invitae), Labcorp).